The following is an entry in ClinVar:

ClinVar aggregate classification (germline): Likely benign (0 of 4 stars; one submission).

Conditions:
ADCY3-related disorder. Also called: ADCY3-related condition.

Allele frequency attached by ClinVar (database versions not stated): ExAC 0.00008; ESP Exome Variant Server 0.00015; TOPMed 0.00016; gnomAD 0.00019; 1000 Genomes Project 0.00020; 1000 Genomes Project 30x 0.00031.
gnomAD v4.1: 391 of 1,613,904 alleles (0.024%); highest among the groups gnomAD compares: Non-Finnish European, 0.031%; no homozygotes.

Submission:

PreventionGenetics, part of Exact Sciences
Classification: Likely benign for ADCY3-related condition. Last evaluated: 2019-09-24. Review status: no assertion criteria provided. Collection method: clinical testing. Allele origin: germline.
Comment: This variant is classified as likely benign based on ACMG/AMP sequence variant interpretation guidelines (Richards et al. 2015 PMID: 25741868, with internal and published modifications).

NM_004036.5(ADCY3):c.2949G>A (p.Ala983=)

Gene: ADCY3 (adenylate cyclase 3; minus strand). Cytogenetic location: 2p23.3.
Variant type: single nucleotide variant.
Coding change: c.2949G>A on transcript NM_004036.5 (MANE Select); coding-DNA position 2949, G replaced by A.
Protein change: p.Ala983=; no amino-acid change (alanine 983 retained).
Molecular consequence: synonymous variant.
Genome position (GRCh38, 1-based): chr2:24,822,565, C>T on the plus strand (G>A on the coding strand, the complement: ADCY3 is on the minus strand). VCF-style: chr2-24822565-C-T. GRCh37 (hg19) VCF-style: chr2-25045434-C-T.
Other names: c.2952G>A, p.Ala984= (NM_001320613.2); c.3015G>A, p.Ala1005= (NM_001377128.1); c.2811G>A, p.Ala937= (NM_001377129.1); c.2397G>A, p.Ala799= (NM_001377130.1); c.2226G>A, p.Ala742= (NM_001377131.1); c.2949G>A, p.Ala983= (NM_001377132.1).
Identifiers: ClinVar variation 3038506 (VCV003038506.2), dbSNP rs146622426, ClinGen allele CA1553567.
Genomic context (GRCh38, chr2:24,822,565, plus strand): 5'-AGCTACCTTGTTGGAGCTGGCAAAGCCATTGGTGTTGACATCGGGGGTGACTCCTGAAGC[C>T]GCCATATACGTGCTGCCAATGGTTTTGATCTTGGTGATCACCCGGAACTTGGGATTGTCC-3'
Protein context (NP_004027.2, residues 973-993): KIKTIGSTYM[Ala983=]ASGVTPDVNT